The following is an entry in ClinVar:

ClinVar aggregate classification (germline): Uncertain significance (1 of 4 stars; one submission).

Conditions:
Inborn genetic diseases. Identifiers: MedGen C0950123, MeSH D030342.

Submission:

Ambry Genetics
Classification: Uncertain significance for Inborn genetic diseases. Last evaluated: 2022-05-11. Review status: criteria provided, single submitter. Criteria: Ambry Variant Classification Scheme 2023. Collection method: clinical testing. Allele origin: germline.
Comment: The p.N24I variant (also known as c.71A>T), located in coding exon 2 of the MDH2 gene, results from an A to T substitution at nucleotide position 71. The asparagine at codon 24 is replaced by isoleucine, an amino acid with dissimilar properties. This amino acid position is conserved. In addition, this alteration is predicted to be tolerated by in silico analysis. Since supporting evidence is limited at this time, the clinical significance of this alteration remains unclear.

NM_005918.4(MDH2):c.71A>T (p.Asn24Ile)

Gene: MDH2 (malate dehydrogenase 2; plus strand). Cytogenetic location: 7q11.23.
Variant type: single nucleotide variant.
Coding change: c.71A>T on transcript NM_005918.4 (MANE Select); coding-DNA position 71, A replaced by T.
Protein change: p.Asn24Ile; replaces asparagine 24 with isoleucine.
Molecular consequence: missense variant. On other transcripts: intron variant (1).
Genome position (GRCh38, 1-based): chr7:76,054,834, A>T. VCF-style: chr7-76054834-A-T. GRCh37 (hg19) VCF-style: chr7-75684152-A-T.
Other names: c.71A>T, p.Asn24Ile (NM_001282403.2); c.-86-2576A>T (NM_001282404.2); short protein forms N24I.
Identifiers: ClinVar variation 1757642 (VCV001757642.2), dbSNP rs146206957, ClinGen allele CA367762003.